The following is an entry in ClinVar:

ClinVar aggregate classification (germline): Uncertain significance. Review status: criteria provided, multiple submitters, no conflicts (2 of 4 stars). 2 submissions from 2 submitters: Uncertain significance (2). Last evaluated 2023-07-07.

Conditions:
Emery-Dreifuss muscular dystrophy 4, autosomal dominant (EDMD4). Also called: EMERY-DREIFUSS MUSCULAR DYSTROPHY 4 WITH VARIABLE FEATURES. Identifiers: Orphanet 261, MedGen C2751807, MONDO:0013071, OMIM 612998.
Autosomal recessive ataxia, Beauce type. Also called: Spinocerebellar ataxia, autosomal recessive 8; ATAXIA, RECESSIVE, OF BEAUCE; SYNE1 Deficiency; SYNE1-Related Autosomal Recessive Cerebellar Ataxia. Identifiers: Orphanet 88644, MedGen C1853116, MONDO:0012549, OMIM 610743.

Allele frequency attached by ClinVar (database versions not stated): ExAC 0.00002; gnomAD 0.00002; TOPMed 0.00003.
gnomAD v4.1: 12 of 1,613,986 alleles (0.00074%); highest among the groups gnomAD compares: Admixed American, 0.013%; no homozygotes.

Submissions (2):

Labcorp Genetics (formerly Invitae), Labcorp
Classification: Uncertain significance for Emery-Dreifuss muscular dystrophy 4, autosomal dominant; Autosomal recessive ataxia, Beauce type. Last evaluated: 2023-07-07. Review status: criteria provided, single submitter. Criteria: Invitae Variant Classification Sherloc (09022015). Collection method: clinical testing. Allele origin: germline.
Comment: An algorithm developed to predict the effect of missense changes on protein structure and function (PolyPhen-2) suggests that this variant is likely to be disruptive. In summary, the available evidence is currently insufficient to determine the role of this variant in disease. Therefore, it has been classified as a Variant of Uncertain Significance. Algorithms developed to predict the effect of sequence changes on RNA splicing suggest that this variant may create or strengthen a splice site. ClinVar contains an entry for this variant (Variation ID: 1439338). This variant has not been reported in the literature in individuals affected with SYNE1-related conditions. This variant is present in population databases (rs780920250, gnomAD 0.009%). This sequence change replaces glutamic acid, which is acidic and polar, with valine, which is neutral and non-polar, at codon 5956 of the SYNE1 protein (p.Glu5956Val).

Revvity Omics, Revvity
Classification: Uncertain significance. Last evaluated: 2019-09-05. Review status: criteria provided, single submitter. Criteria: ACMG Guidelines, 2015. Collection method: clinical testing. Allele origin: germline.

NM_182961.4(SYNE1):c.18080A>T (p.Glu6027Val)

Gene: SYNE1 (spectrin repeat containing nuclear envelope protein 1; minus strand). Cytogenetic location: 6q25.2.
Variant type: single nucleotide variant.
Coding change: c.18080A>T on transcript NM_182961.4 (MANE Select); coding-DNA position 18080, A replaced by T.
Protein change: p.Glu6027Val; replaces glutamic acid 6027 with valine.
Molecular consequence: missense variant.
Genome position (GRCh38, 1-based): chr6:152,284,105, T>A on the plus strand (A>T on the coding strand, the complement: SYNE1 is on the minus strand). VCF-style: chr6-152284105-T-A. GRCh37 (hg19) VCF-style: chr6-152605240-T-A.
Other names: c.17867A>T, p.Glu5956Val (NM_033071.5); c.17867A>T (NM_033071.3); short protein forms E6027V, E5956V.
Identifiers: ClinVar variation 1439338 (VCV001439338.8), dbSNP rs780920250, ClinGen allele CA4055057.
Genomic context (GRCh38, chr6:152,284,105, plus strand): 5'-AGCGTGGACTGCAAGGCCAGCTGCTCCGCAGGGTCGGCCTCACAAGACTCGGATACCAGC[T>A]CCTCTGCGAGAGAGGACTGGAGCTCATTGATTTCATCCTGGAGCATGAGAATCTCATCCA-3'
Protein context (NP_892006.3, residues 6017-6037): INELQSSLAE[Glu6027Val]LVSESCEADP